The following is an entry in ClinVar:

NM_001164508.2(NEB):c.20894T>A (p.Leu6965Gln)

Gene: NEB (nebulin; minus strand). Cytogenetic location: 2q23.3.
Variant type: single nucleotide variant.
Coding change: c.20894T>A on transcript NM_001164508.2 (MANE Select); coding-DNA position 20894, T replaced by A.
Protein change: p.Leu6965Gln; replaces leucine 6965 with glutamine.
Molecular consequence: missense variant.
Genome position (GRCh38, 1-based): chr2:151,538,243, A>T on the plus strand (T>A on the coding strand, the complement: NEB is on the minus strand). VCF-style: chr2-151538243-A-T. GRCh37 (hg19) VCF-style: chr2-152394757-A-T.
Other names: c.20894T>A, p.Leu6965Gln (NM_001164507.2, NM_001271208.2); c.15791T>A, p.Leu5264Gln (NM_004543.5); short protein forms L6965Q, L5264Q.
Identifiers: ClinVar variation 1355110 (VCV001355110.3), dbSNP rs1239615497, ClinGen allele CA348776577.

ClinVar aggregate classification (germline): Uncertain significance (1 of 4 stars; one submission).

Conditions:
Nemaline myopathy 2 (NEM2). Also called: Nemaline myopathy 2, autosomal recessive. Identifiers: MedGen C1850569, MONDO:0009725, OMIM 256030.

Submission:

Labcorp Genetics (formerly Invitae), Labcorp
Classification: Uncertain significance for Nemaline myopathy 2. Last evaluated: 2021-08-25. Review status: criteria provided, single submitter. Criteria: Invitae Variant Classification Sherloc (09022015). Collection method: clinical testing. Allele origin: germline.
Comment: This sequence change replaces leucine with glutamine at codon 6965 of the NEB protein (p.Leu6965Gln). The leucine residue is moderately conserved and there is a moderate physicochemical difference between leucine and glutamine. This variant is not present in population databases (ExAC no frequency). This variant has not been reported in the literature in individuals affected with NEB-related conditions. Algorithms developed to predict the effect of missense changes on protein structure and function are either unavailable or do not agree on the potential impact of this missense change (SIFT: "Deleterious"; PolyPhen-2: "Not Available"; Align-GVGD: "Class C0"). In summary, the available evidence is currently insufficient to determine the role of this variant in disease. Therefore, it has been classified as a Variant of Uncertain Significance.